The following is an entry in ClinVar:

NC_000009.11:g.(135782758_135785957)_(135787845_135796749)del

Gene: TSC1 (TSC complex subunit 1; minus strand). Cytogenetic location: 9q34.13.
Variant type: Deletion.
Identifiers: ClinVar variation 3769398 (VCV003769398.2).

ClinVar aggregate classification (germline): Pathogenic (1 of 4 stars; one submission).

Conditions:
Tuberous sclerosis syndrome (TSC). Also called: Tuberous Sclerosis Complex; Tuberous sclerosis. Identifiers: Orphanet 805, MedGen C0041341, MONDO:0001734.

Submission:

Women's Health and Genetics/Laboratory Corporation of America, LabCorp
Classification: Pathogenic for Tuberous sclerosis syndrome. Last evaluated: 2025-01-27. Review status: criteria provided, single submitter. Criteria: LabCorp Variant Classification Summary - May 2015. Collection method: clinical testing. Allele origin: germline.
Comment: Variant summary: The variant involves the deletion of exons 9-12 in the TSC1 gene. A presumed nomenclature of c.(737+1_738-1)_(1263+1_1264-1)del has been designated for the purposes of this classification. This Copy Number Variant (CNV) is expected to alter the reading frame and predicted to result in a truncation or absence of the encoded protein due to nonsense mediated decay (NMD). The variant was absent in 120686 control chromosomes in the gnomAD database (Structural Variants v4.1 dataset). Deletion of exons 9-12 in the TSC1 gene has been reported in the literature in individual(s) affected with Tuberous Sclerosis Complex (e.g. Li_2018). To our knowledge, no experimental evidence demonstrating an impact on protein function has been reported. ClinVar contains an entry for this variant (Variation ID: 466000). The following publication have been ascertained in the context of this evaluation (PMID: 30036593). Based on the evidence outlined above, the variant was classified as pathogenic.

Literature cited by the submitters: PubMed 30036593.